The following is an entry in ClinVar:

ClinVar aggregate classification (germline): Uncertain significance (1 of 4 stars; one submission).

Submission:

GeneDx
Classification: Uncertain significance. Last evaluated: 2022-01-31. Review status: criteria provided, single submitter. Criteria: GeneDx Variant Classification Process June 2021. Collection method: clinical testing. Allele origin: germline. Affected: yes.
Comment: Not observed at significant frequency in large population cohorts (gnomAD); In silico analysis supports that this missense variant has a deleterious effect on protein structure/function; Has not been previously published as pathogenic or benign to our knowledge

NM_003242.6(TGFBR2):c.1573C>T (p.Pro525Ser)

Gene: TGFBR2 (transforming growth factor beta receptor 2; plus strand). Cytogenetic location: 3p24.1.
Variant type: single nucleotide variant.
Coding change: c.1573C>T on transcript NM_003242.6 (MANE Select); coding-DNA position 1573, C replaced by T.
Protein change: p.Pro525Ser; replaces proline 525 with serine.
Molecular consequence: missense variant.
Genome position (GRCh38, 1-based): chr3:30,691,468, C>T. VCF-style: chr3-30691468-C-T. GRCh37 (hg19) VCF-style: chr3-30732960-C-T.
Other names: c.1648C>T, p.Pro550Ser (NM_001024847.3); c.1756C>T, p.Pro586Ser (NM_001407126.1); c.1681C>T, p.Pro561Ser (NM_001407127.1); c.1600C>T, p.Pro534Ser (NM_001407128.1); c.1576C>T, p.Pro526Ser (NM_001407129.1); c.1570C>T, p.Pro524Ser (NM_001407130.1); c.1468C>T, p.Pro490Ser (NM_001407132.1, NM_001407133.1, NM_001407134.1 and 2 more transcripts); c.1288C>T, p.Pro430Ser (NM_001407137.1); and 2 more; short protein forms P525S, P550S, P235S, P490S, P526S, P534S, P430S, P524S.
Identifiers: ClinVar variation 1700541 (VCV001700541.2), dbSNP rs2125455256, ClinGen allele CA351809587.